The following is an entry in ClinVar:

NM_003978.5(PSTPIP1):c.36+68G>A

Gene: PSTPIP1 (proline-serine-threonine phosphatase interacting protein 1; plus strand). Cytogenetic location: 15q24.3.
Variant type: single nucleotide variant.
Coding change: c.36+68G>A on transcript NM_003978.5 (MANE Select); 68 bases into the intron after coding-DNA position 36, G replaced by A.
Molecular consequence: intron variant.
Genome position (GRCh38, 1-based): chr15:76,995,677, G>A. VCF-style: chr15-76995677-G-A. GRCh37 (hg19) VCF-style: chr15-77288018-G-A.
Other names: c.36+68G>A (NM_001321135.2); c.231+68G>A (NM_001321137.1); c.-211+68G>A (NM_001321136.2).
Identifiers: ClinVar variation 1182295 (VCV001182295.5), dbSNP rs2254441, ClinGen allele CA14121861.
Genomic context (GRCh38, chr15:76,995,677, plus strand): 5'-AGGATGGTTGGGGGCACTGAACAAGTGGAGGGGGCAGAGCTAGGCTGAAATCTCCATGCA[G>A]GTGATGGGATGCGGCTCCGAGAGGGGAGCTTTCTCATAAAATAGTGGTTGATTCTTGGTC-3'

ClinVar aggregate classification (germline): Benign. Review status: criteria provided, multiple submitters, no conflicts (2 of 4 stars). 3 submissions from 3 submitters: Benign (3). Last evaluated 2023-11-12.

Allele frequency attached by ClinVar (database versions not stated): gnomAD exomes 0.22812; ESP Exome Variant Server 0.26696; gnomAD 0.29575 and 0.29818; TOPMed 0.31343; 1000 Genomes Project 30x 0.38523; 1000 Genomes Project 0.38898.
gnomAD v4.1: 378,212 of 1,609,522 alleles (23%); highest among the groups gnomAD compares: East Asian, 49%; 50,599 homozygotes.

Submissions (3):

Unidad de Genómica Garrahan, Hospital de Pediatría Garrahan
Classification: Benign. Last evaluated: 2023-11-12. Review status: criteria provided, single submitter. Criteria: ACMG Guidelines, 2015. Collection method: clinical testing. Allele origin: germline. Affected: no. Observed: 59 variant alleles.
Comment: This variant is classified as Benign based on local population frequency. This variant was detected in 61% of patients studied by a panel of primary immunodeficiencies. Number of patients: 59. Only high quality variants are reported.

GeneDx
Classification: Benign. Last evaluated: 2015-03-03. Review status: criteria provided, single submitter. Criteria: GeneDx Variant Classification Process June 2021. Collection method: clinical testing. Allele origin: germline. Affected: yes.

Breakthrough Genomics
Classification: Benign. Review status: criteria provided, single submitter. Criteria: ACMG Guidelines, 2015. Collection method: not provided. Allele origin: germline. Inheritance: Autosomal dominant inheritance. Affected: yes.